The following is an entry in ClinVar:

NM_016123.4(IRAK4):c.1195A>G (p.Ile399Val)

Gene: IRAK4 (interleukin 1 receptor associated kinase 4; plus strand). Cytogenetic location: 12q12.
Variant type: single nucleotide variant.
Coding change: c.1195A>G on transcript NM_016123.4 (MANE Select); coding-DNA position 1195, A replaced by G.
Protein change: p.Ile399Val; replaces isoleucine 399 with valine.
Molecular consequence: missense variant.
Genome position (GRCh38, 1-based): chr12:43,786,405, A>G. VCF-style: chr12-43786405-A-G. GRCh37 (hg19) VCF-style: chr12-44180208-A-G.
Other names: c.1195A>G, p.Ile399Val (NM_001114182.3, NM_001351345.2); c.823A>G, p.Ile275Val (NM_001145256.2, NM_001145257.2, NM_001145258.2 and 5 more transcripts); c.586A>G, p.Ile196Val (NM_001351343.2, NM_001351344.2); short protein forms I196V, I275V, I399V.
Identifiers: ClinVar variation 2007875 (VCV002007875.4), dbSNP rs1942214797, ClinGen allele CA384477499.

ClinVar aggregate classification (germline): Uncertain significance (1 of 4 stars; one submission).

Conditions:
Immunodeficiency 67. Also called: Immunodeficiency due to interleukin-1 receptor-associated kinase-4 deficiency. Identifiers: Orphanet 70592, MedGen C1843256, MONDO:0011888, OMIM 607676.

Allele frequency attached by ClinVar (database versions not stated): gnomAD exomes below 0.00001; gnomAD 0.00001.
gnomAD v4.1: 5 of 1,577,438 alleles (0.00032%); highest among the groups gnomAD compares: East Asian, 0.0045%; no homozygotes.

Submission:

Labcorp Genetics (formerly Invitae), Labcorp
Classification: Uncertain significance for Immunodeficiency 67. Last evaluated: 2022-06-18. Review status: criteria provided, single submitter. Criteria: Invitae Variant Classification Sherloc (09022015). Collection method: clinical testing. Allele origin: germline.
Comment: In summary, the available evidence is currently insufficient to determine the role of this variant in disease. Therefore, it has been classified as a Variant of Uncertain Significance. Algorithms developed to predict the effect of missense changes on protein structure and function (SIFT, PolyPhen-2, Align-GVGD) all suggest that this variant is likely to be tolerated. This variant has not been reported in the literature in individuals affected with IRAK4-related conditions. This variant is not present in population databases (gnomAD no frequency). This sequence change replaces isoleucine, which is neutral and non-polar, with valine, which is neutral and non-polar, at codon 399 of the IRAK4 protein (p.Ile399Val).